The following is an entry in ClinVar:

NM_001126108.2(SLC12A3):c.841_842insA (p.Trp281Ter)

Gene: SLC12A3 (solute carrier family 12 member 3; plus strand). Cytogenetic location: 16q13.
Variant type: Insertion.
Coding change: c.841_842insA on transcript NM_001126108.2 (MANE Select); coding-DNA positions 841 to 842, A inserted.
Protein change: p.Trp281Ter; replaces tryptophan 281 with a stop codon.
Molecular consequence: nonsense.
Genome position: GRCh38 VCF-style: chr16-56870725-T-TA. GRCh37 (hg19) VCF-style: chr16-56904637-T-TA.
Other names: c.841_842insA, p.Trp281Ter (NM_000339.3); c.838_839insA, p.Trp280Ter (NM_001126107.2, NM_001410896.1); short protein forms W280*, W281*.
Identifiers: ClinVar variation 2836018 (VCV002836018.5), dbSNP rs1321932022, ClinGen allele CA722005777.

ClinVar aggregate classification (germline): Pathogenic/Likely pathogenic. Review status: criteria provided, multiple submitters, no conflicts (2 of 4 stars). 3 submissions from 3 submitters: Pathogenic (1); Likely pathogenic (2). Last evaluated 2024-06-19.

Conditions:
Familial hypokalemia-hypomagnesemia (GTLMNS). Also called: HYPOMAGNESEMIA-HYPOKALEMIA, PRIMARY RENOTUBULAR, WITH HYPOCALCIURIA; gitelman syndrome; POTASSIUM AND MAGNESIUM DEPLETION. Identifiers: Orphanet 358, MedGen C0268450, MONDO:0009904, OMIM 263800.
SLC12A3-related disorder. Also called: SLC12A3-related condition.

Allele frequency attached by ClinVar (database versions not stated): gnomAD exomes 0.00001.

Submissions (3):

Fulgent Genetics
Classification: Likely pathogenic for Familial hypokalemia-hypomagnesemia. Last evaluated: 2024-06-19. Review status: criteria provided, single submitter. Criteria: ACMG Guidelines, 2015. Collection method: clinical testing. Allele origin: germline.

Labcorp Genetics (formerly Invitae), Labcorp
Classification: Pathogenic. Last evaluated: 2023-06-30. Review status: criteria provided, single submitter. Criteria: Invitae Variant Classification Sherloc (09022015). Collection method: clinical testing. Allele origin: germline.
Comment: For these reasons, this variant has been classified as Pathogenic. This variant has not been reported in the literature in individuals affected with SLC12A3-related conditions. This sequence change creates a premature translational stop signal (p.Trp281*) in the SLC12A3 gene. It is expected to result in an absent or disrupted protein product. Loss-of-function variants in SLC12A3 are known to be pathogenic (PMID: 20848653, 22009145, 25841442). This variant is not present in population databases (gnomAD no frequency).

Blueprint Genetics
Classification: Likely pathogenic for SLC12A3-related disorders. Last evaluated: 2022-03-01. Review status: criteria provided, single submitter. Criteria: ACMG Guidelines, 2015. Collection method: clinical testing. Allele origin: germline. Affected: yes. Observed: 2 variant alleles.

Literature cited by the submitters: PubMed 20848653 (cited by Labcorp Genetics (formerly Invitae), Labcorp); PubMed 22009145 (cited by Labcorp Genetics (formerly Invitae), Labcorp); PubMed 25841442 (cited by Labcorp Genetics (formerly Invitae), Labcorp).